The following is an entry in ClinVar:

ClinVar aggregate classification (germline): Likely benign (1 of 4 stars; one submission).

Submission:

GeneDx
Classification: Likely benign. Last evaluated: 2023-09-22. Review status: criteria provided, single submitter. Criteria: GeneDx Variant Classification Process June 2021. Collection method: clinical testing. Allele origin: germline. Affected: yes.
Comment: See Variant Classification Assertion Criteria.

NM_018136.5(ASPM):c.2419+6delinsTCTT

Gene: ASPM (assembly factor for spindle microtubules; minus strand). Cytogenetic location: 1q31.3.
Variant type: Indel.
Coding change: c.2419+6delinsTCTT on transcript NM_018136.5 (MANE Select); 6 bases into the intron after coding-DNA position 2419, A replaced by TCTT.
Molecular consequence: intron variant.
Genome position (GRCh38, 1-based): chr1:197,133,344, T replaced by AAGA on the plus strand (A replaced by TCTT on the coding strand, the reverse complement: ASPM is on the minus strand). VCF-style: chr1-197133344-T-AAGA. GRCh37 (hg19) VCF-style: chr1-197102474-T-AAGA.
Other names: c.2419+6delinsTCTT (NM_001206846.2).
Identifiers: ClinVar variation 421475 (VCV000421475.1), dbSNP rs1064795163, ClinGen allele CA16617036.
Genomic context (GRCh38, chr1:197,133,344, plus strand): 5'-AAAAAAACACAAAATCTCTTGAATGTTTTTAAAGAATTAATGTCAAGATTTCTGCAGTCT[T>AAGA]CTTACCCACATCTTTCCATAGGTGTCTATCTTTTCGAACAATTAACCGCCTAGCTTCAAT-3'